The following is an entry in ClinVar:

NM_024757.5(EHMT1):c.2996C>G (p.Ala999Gly)

Gene: EHMT1 (euchromatic histone lysine methyltransferase 1; plus strand). Cytogenetic location: 9q34.3.
Variant type: single nucleotide variant.
Coding change: c.2996C>G on transcript NM_024757.5 (MANE Select); coding-DNA position 2996, C replaced by G.
Protein change: p.Ala999Gly; replaces alanine 999 with glycine.
Molecular consequence: missense variant.
Genome position (GRCh38, 1-based): chr9:137,813,134, C>G. VCF-style: chr9-137813134-C-G. GRCh37 (hg19) VCF-style: chr9-140707586-C-G.
Other names: c.2975C>G, p.Ala992Gly (NM_001354263.2); short protein forms A992G, A999G.
Identifiers: ClinVar variation 1718536 (VCV001718536.6), dbSNP rs747347498, ClinGen allele CA375793666.
Genomic context (GRCh38, chr9:137,813,134, plus strand): 5'-CGAGCCTCAACTCTCAGGTGTGGAGCGCTCTGCAGATGAGCAAGGCTCTGCAGGACTCGG[C>G]CCCCGACAGGCCCAGCCCCGTGGAGAGGATAGTGAGCAGGTGAGCCCAGCCCCAGGACGG-3'
Protein context (NP_079033.4, residues 989-1009): LQMSKALQDS[Ala999Gly]PDRPSPVERI

ClinVar aggregate classification (germline): Uncertain significance (1 of 4 stars; one submission).

Conditions:
Kleefstra syndrome 1 (KLEFS1). Identifiers: Orphanet 261494, MedGen C0795833, MONDO:0027407, OMIM 610253.

Submission:

Labcorp Genetics (formerly Invitae), Labcorp
Classification: Uncertain significance for Kleefstra syndrome 1. Last evaluated: 2022-08-31. Review status: criteria provided, single submitter. Criteria: Invitae Variant Classification Sherloc (09022015). Collection method: clinical testing. Allele origin: germline.
Comment: In summary, the available evidence is currently insufficient to determine the role of this variant in disease. Therefore, it has been classified as a Variant of Uncertain Significance. Algorithms developed to predict the effect of missense changes on protein structure and function (SIFT, PolyPhen-2, Align-GVGD) all suggest that this variant is likely to be tolerated. This variant has not been reported in the literature in individuals affected with EHMT1-related conditions. This variant is not present in population databases (gnomAD no frequency). This sequence change replaces alanine, which is neutral and non-polar, with glycine, which is neutral and non-polar, at codon 999 of the EHMT1 protein (p.Ala999Gly).